The following is an entry in ClinVar:

NM_000426.4(LAMA2):c.5212G>T (p.Glu1738Ter)

Gene: LAMA2 (laminin subunit alpha 2; plus strand). Cytogenetic location: 6q22.33.
Variant type: single nucleotide variant.
Coding change: c.5212G>T on transcript NM_000426.4 (MANE Select); coding-DNA position 5212, G replaced by T.
Protein change: p.Glu1738Ter; replaces glutamic acid 1738 with a stop codon.
Molecular consequence: nonsense.
Genome position (GRCh38, 1-based): chr6:129,391,631, G>T. VCF-style: chr6-129391631-G-T. GRCh37 (hg19) VCF-style: chr6-129712776-G-T.
Other names: c.5212G>T, p.Glu1738Ter (NM_001079823.2); short protein forms E1738*.
Identifiers: ClinVar variation 5014739 (VCV005014739.1).
Genomic context (GRCh38, chr6:129,391,631, plus strand): 5'-CAGAAAGAGATTGACCAGATGATTAAAGAACTGAGGAGGAAAAATCTAGAGACACAAAAG[G>T]AAATTGCTGAAGATGAGTTGGTGTGAGTAGATGAGTTATTATTTTTTCTTTTGACAAACT-3'

ClinVar aggregate classification (germline): Pathogenic (1 of 4 stars; one submission).

Conditions:
LAMA2-related muscular dystrophy (LAMA2-RD). Also called: Laminin alpha 2-related dystrophy. Identifiers: MedGen C5679788, MONDO:0100228.

Submission:

Myriad Genetics, Inc.
Classification: Pathogenic for LAMA2-related muscular dystrophy. Last evaluated: 2025-07-15. Review status: criteria provided, single submitter. Criteria: Myriad Autosomal Dominant, Autosomal Recessive and X-Linked Classification Criteria (2023). Collection method: clinical testing. Allele origin: unknown.
Comment: NM_000426.3(LAMA2):c.5212G>T(E1738*) is expected to be pathogenic in the context of muscular dystrophy, LAMA2-related. This variant is predicted to lead to an abnormal or absent protein product due to the creation of a premature termination codon in LAMA2, a gene where loss-of-function variants are known to be pathogenic. Please note: this variant was assessed in the context of healthy population screening.